The following is an entry in ClinVar:

ClinVar aggregate classification (germline): Uncertain significance. Review status: criteria provided, multiple submitters, no conflicts (2 of 4 stars). 2 submissions from 2 submitters: Uncertain significance (2). Last evaluated 2021-09-16.

Conditions:
Hereditary cancer-predisposing syndrome. Also called: Tumor predisposition; Hereditary Cancer Syndrome; Neoplastic Syndromes, Hereditary; Hereditary neoplastic syndrome. Identifiers: Orphanet 140162, MedGen C0027672, MeSH D009386, MONDO:0015356.
Familial cancer of breast. Also called: BREAST CANCER, FAMILIAL; Hereditary breast cancer; hereditary breast carcinoma. Identifiers: Orphanet 227535, MedGen C0346153, MONDO:0016419, OMIM 114480. Disease mechanism: loss of function.

Allele frequency attached by ClinVar (database versions not stated): gnomAD exomes below 0.00001; ExAC 0.00001.

Submissions (2):

Labcorp Genetics (formerly Invitae), Labcorp
Classification: Uncertain significance for Familial cancer of breast. Last evaluated: 2021-09-16. Review status: criteria provided, single submitter. Criteria: Invitae Variant Classification Sherloc (09022015). Collection method: clinical testing. Allele origin: germline.
Comment: This sequence change replaces leucine with serine at codon 345 of the PALB2 protein (p.Leu345Ser). The leucine residue is moderately conserved and there is a large physicochemical difference between leucine and serine. This variant is present in population databases (rs781757934, ExAC 0.002%). This variant has not been reported in the literature in individuals affected with PALB2-related conditions. ClinVar contains an entry for this variant (Variation ID: 822051). Algorithms developed to predict the effect of missense changes on protein structure and function (SIFT, PolyPhen-2, Align-GVGD) all suggest that this variant is likely to be tolerated. In summary, the available evidence is currently insufficient to determine the role of this variant in disease. Therefore, it has been classified as a Variant of Uncertain Significance.

Ambry Genetics
Classification: Uncertain significance for Hereditary cancer-predisposing syndrome. Last evaluated: 2019-07-11. Review status: criteria provided, single submitter. Criteria: Ambry Variant Classification Scheme 2023. Collection method: clinical testing. Allele origin: germline.
Comment: The p.L345S variant (also known as c.1034T>C), located in coding exon 4 of the PALB2 gene, results from a T to C substitution at nucleotide position 1034. The leucine at codon 345 is replaced by serine, an amino acid with dissimilar properties. This amino acid position is poorly conserved in available vertebrate species. In addition, this alteration is predicted to be tolerated by in silico analysis. Since supporting evidence is limited at this time, the clinical significance of this alteration remains unclear.

NM_024675.4(PALB2):c.1034T>C (p.Leu345Ser)

Gene: PALB2 (partner and localizer of BRCA2; minus strand). Cytogenetic location: 16p12.2.
Variant type: single nucleotide variant.
Coding change: c.1034T>C on transcript NM_024675.4 (MANE Select); coding-DNA position 1034, T replaced by C.
Protein change: p.Leu345Ser; replaces leucine 345 with serine.
Molecular consequence: missense variant.
Genome position (GRCh38, 1-based): chr16:23,635,512, A>G on the plus strand (T>C on the coding strand, the complement: PALB2 is on the minus strand). VCF-style: chr16-23635512-A-G. GRCh37 (hg19) VCF-style: chr16-23646833-A-G.
Other names: short protein forms L345S.
Identifiers: ClinVar variation 822051 (VCV000822051.8), dbSNP rs781757934, ClinGen allele CA7963735.